The following is an entry in ClinVar:

ClinVar aggregate classification (germline): Uncertain significance. Review status: criteria provided, multiple submitters, no conflicts (2 of 4 stars). 3 submissions from 3 submitters: Uncertain significance (2). 1 of the submissions does not count toward it. Last evaluated 2026-08-06.

Conditions:
Familial hypocalciuric hypercalcemia (FHH). Also called: Familial benign hypercalcemia. Identifiers: Orphanet 405, MedGen C1809471, MONDO:0018458.
Autosomal dominant hypocalcemia 1 (HYPOC1). Also called: HYPOCALCEMIA, FAMILIAL. Identifiers: MedGen C3715128, MONDO:0011013, OMIM 601198.
Familial hypocalciuric hypercalcemia 1. Also called: Hypercalcemia, familial benign type 1. Identifiers: Orphanet 405, Orphanet 93372, MedGen C0342637, MONDO:0007791, OMIM 145980.
Nephrolithiasis/nephrocalcinosis. Identifiers: MedGen CN580796.

Submissions (3):

Ambry Genetics
Classification: Uncertain significance for Nephrolithiasis/nephrocalcinosis. Last evaluated: 2026-08-06. Review status: criteria provided, single submitter. Criteria: Ambry Variant Classification Scheme 2023. Collection method: clinical testing. Allele origin: germline.
Comment: The c.496A>C (p.S166R) alteration is located in exon 4 (coding exon 3) of the CASR gene. This alteration results from a A to C substitution at nucleotide position 496, causing the serine (S) at amino acid position 166 to be replaced by an arginine (R). This variant was not reported in population-based cohorts in the Genome Aggregation Database (gnomAD). This variant was reported in individual(s) with features consistent with familial hypocalciuric hypercalcemia (Lagan&agrave;, 2025). Other variant(s) at the same codon, c.496A>G (p.S166G), c.497G>T (p.S166I), have been identified in individual(s) with features consistent with familial hypocalciuric hypercalcemia (Cole, 2009; Mouly, 2020). This amino acid position is highly conserved in available vertebrate species. This alteration is predicted to be deleterious by in silico analysis. Based on insufficient or conflicting evidence, the clinical significance of this alteration remains unclear.

Labcorp Genetics (formerly Invitae), Labcorp
Classification: Uncertain significance for Familial hypocalciuric hypercalcemia; Autosomal dominant hypocalcemia 1. Last evaluated: 2021-01-15. Review status: criteria provided, single submitter. Criteria: Invitae Variant Classification Sherloc (09022015). Collection method: clinical testing. Allele origin: germline.
Comment: Algorithms developed to predict the effect of missense changes on protein structure and function (SIFT, PolyPhen-2, Align-GVGD) all suggest that this variant is likely to be disruptive, but these predictions have not been confirmed by published functional studies and their clinical significance is uncertain. In summary, the available evidence is currently insufficient to determine the role of this variant in disease. Therefore, it has been classified as a Variant of Uncertain Significance. This variant has not been reported in the literature in individuals with CASR-related conditions. This sequence change replaces serine with arginine at codon 166 of the CASR protein (p.Ser166Arg). The serine residue is highly conserved and there is a moderate physicochemical difference between serine and arginine. This variant is not present in population databases (ExAC no frequency).

Cardiovascular Genetics Laboratory, PathWest Laboratory Medicine WA - Fiona Stanley Hospital
Classification: Uncertain significance for Familial hypocalciuric hypercalcemia 1. Last evaluated: 2022-09-21. Review status: no assertion criteria provided. Criteria: ACMG Guidelines, 2015. Collection method: clinical testing. Allele origin: germline. Affected: yes. Not counted in ClinVar's aggregate classification.

Literature cited by the submitters: PubMed 19179454 (cited by Ambry Genetics); PubMed 32347971 (cited by Ambry Genetics); PubMed 40978122 (cited by Ambry Genetics).

NM_000388.4(CASR):c.496A>C (p.Ser166Arg)

Gene: CASR (calcium sensing receptor; plus strand). Cytogenetic location: 3q21.1.
Variant type: single nucleotide variant.
Coding change: c.496A>C on transcript NM_000388.4 (MANE Select); coding-DNA position 496, A replaced by C.
Protein change: p.Ser166Arg; replaces serine 166 with arginine.
Molecular consequence: missense variant.
Genome position (GRCh38, 1-based): chr3:122,261,531, A>C. VCF-style: chr3-122261531-A-C. GRCh37 (hg19) VCF-style: chr3-121980378-A-C.
Other names: c.496A>C, p.Ser166Arg (NM_001178065.2); c.496A>C (NM_000388.3); short protein forms S166R.
Identifiers: ClinVar variation 1477706 (VCV001477706.10), dbSNP rs193922441, ClinGen allele CA354150711.
Genomic context (GRCh38, chr3:122,261,531, plus strand): 5'-CTCAGCACCTCTTCACTCACTCACTCACTCATTCACCATGTTCTTGGTTCTCTCCAGGTC[A>C]GTTATGCCTCCTCCAGCAGACTCCTCAGCAACAAGAATCAATTCAAGTCTTTCCTCCGAA-3'
Protein context (NP_000379.3, residues 156-176): LLGLFYIPQV[Ser166Arg]YASSSRLLSN